The following is an entry in ClinVar:

NM_152564.5(VPS13B):c.6690A>T (p.Leu2230Phe)

Gene: VPS13B (vacuolar protein sorting 13 homolog B; plus strand). Cytogenetic location: 8q22.2.
Variant type: single nucleotide variant.
Coding change: c.6690A>T on transcript NM_152564.5 (MANE Select); coding-DNA position 6690, A replaced by T.
Protein change: p.Leu2230Phe; replaces leucine 2230 with phenylalanine.
Molecular consequence: missense variant.
Genome position (GRCh38, 1-based): chr8:99,720,377, A>T. VCF-style: chr8-99720377-A-T. GRCh37 (hg19) VCF-style: chr8-100732605-A-T.
Other names: c.6765A>T, p.Leu2255Phe (NM_017890.5); short protein forms L2230F, L2255F.
Identifiers: ClinVar variation 2059018 (VCV002059018.3), dbSNP rs775506296, ClinGen allele CA4824075.

ClinVar aggregate classification (germline): Uncertain significance. Review status: criteria provided, multiple submitters, no conflicts (2 of 4 stars). 2 submissions from 2 submitters: Uncertain significance (2). Last evaluated 2026-06-27.

Conditions:
Cohen syndrome (COH1). Also called: Cutis verticis gyrata, retinitis pigmentosa, and sensorineural deafness; PEPPER SYNDROME. Identifiers: Orphanet 193, MedGen C0265223, MONDO:0008999, OMIM 216550.
VPS13B-related disorder. Also called: VPS13B-related condition.

Allele frequency attached by ClinVar (database versions not stated): TOPMed 0.00003; ExAC 0.00006; gnomAD 0.00007.
gnomAD v4.1: 45 of 1,613,460 alleles (0.0028%); highest among the groups gnomAD compares: Non-Finnish European, 0.0035%; no homozygotes.

Submissions (2):

PreventionGenetics, part of Exact Sciences
Classification: Uncertain significance for VPS13B-related condition. Last evaluated: 2026-06-27. Review status: criteria provided, single submitter. Criteria: ACMG Guidelines, 2015. Collection method: clinical testing. Allele origin: germline.
Comment: The VPS13B c.6690A>T variant is predicted to result in the amino acid substitution p.Leu2230Phe. To our knowledge, this variant has not been reported in the literature. This variant is reported in 0.0078% of alleles in individuals of European (Non-Finnish) descent in gnomAD. At this time, the clinical significance of this variant is uncertain due to the absence of conclusive functional and genetic evidence.

Labcorp Genetics (formerly Invitae), Labcorp
Classification: Uncertain significance for Cohen syndrome. Last evaluated: 2024-10-15. Review status: criteria provided, single submitter. Criteria: Invitae Variant Classification Sherloc (09022015). Collection method: clinical testing. Allele origin: germline.
Comment: This sequence change replaces leucine, which is neutral and non-polar, with phenylalanine, which is neutral and non-polar, at codon 2255 of the VPS13B protein (p.Leu2255Phe). This variant is present in population databases (rs775506296, gnomAD 0.008%). This variant has not been reported in the literature in individuals affected with VPS13B-related conditions. ClinVar contains an entry for this variant (Variation ID: 2059018). Invitae Evidence Modeling of protein sequence and biophysical properties (such as structural, functional, and spatial information, amino acid conservation, physicochemical variation, residue mobility, and thermodynamic stability) indicates that this missense variant is expected to disrupt VPS13B protein function with a positive predictive value of 80%. In summary, the available evidence is currently insufficient to determine the role of this variant in disease. Therefore, it has been classified as a Variant of Uncertain Significance.